The following is an entry in ClinVar:

ClinVar aggregate classification (germline): Pathogenic (1 of 4 stars; one submission).

Submission:

Labcorp Genetics (formerly Invitae), Labcorp
Classification: Pathogenic. Last evaluated: 2023-08-29. Review status: criteria provided, single submitter. Criteria: Invitae Variant Classification Sherloc (09022015). Collection method: clinical testing. Allele origin: unknown.
Comment: This variant is a gross deletion of the genomic region encompassing exon(s) 2 of the GALNT3 gene, which includes the initiator codon. This deletion extends beyond the assayed region for this gene and therefore may encompass additional genes. It is expected to result in an absent or disrupted protein product. Loss-of-function variants in GALNT3 are known to be pathogenic (PMID: 15133511, 20358599). This variant has not been reported in the literature in individuals affected with GALNT3-related conditions. For these reasons, this variant has been classified as Pathogenic.

Literature cited by the submitters: PubMed 15133511; PubMed 20358599.

NC_000002.11:g.(?_166626676)_(166627210_?)del

Gene: GALNT3 (polypeptide N-acetylgalactosaminyltransferase 3; minus strand). Cytogenetic location: 2q24.3.
Variant type: Deletion.
Identifiers: ClinVar variation 3247523 (VCV003247523.1).